The following is an entry in ClinVar:

NM_000465.4(BARD1):c.298C>T (p.Gln100Ter)

Gene: BARD1 (BRCA1 associated RING domain 1; minus strand). Cytogenetic location: 2q35.
Variant type: single nucleotide variant.
Coding change: c.298C>T on transcript NM_000465.4 (MANE Select); coding-DNA position 298, C replaced by T.
Protein change: p.Gln100Ter; replaces glutamine 100 with a stop codon.
Molecular consequence: nonsense. On other transcripts: non-coding transcript variant (1), intron variant (2).
Genome position (GRCh38, 1-based): chr2:214,792,363, G>A on the plus strand (C>T on the coding strand, the complement: BARD1 is on the minus strand). VCF-style: chr2-214792363-G-A. GRCh37 (hg19) VCF-style: chr2-215657087-G-A.
Other names: c.241C>T, p.Gln81Ter (NM_001282543.2); c.298C>T, p.Gln100Ter (NM_001282549.2); c.158+17049C>T (NM_001282548.2); c.215+4698C>T (NM_001282545.2); short protein forms Q100*, Q81*.
Identifiers: ClinVar variation 185079 (VCV000185079.40), dbSNP rs786201912, ClinGen allele CA190946.

ClinVar aggregate classification (germline): Pathogenic/Likely pathogenic. Review status: criteria provided, multiple submitters, no conflicts (2 of 4 stars). 10 submissions from 10 submitters: Pathogenic (7); Likely pathogenic (2). 1 of the submissions does not count toward it. Last evaluated 2026-05-01.

Conditions:
BARD1-related cancer predisposition. Identifiers: MedGen CN377756, MONDO:0700267.
Hereditary cancer-predisposing syndrome. Also called: Tumor predisposition; Neoplastic Syndromes, Hereditary; Hereditary Cancer Syndrome; Hereditary neoplastic syndrome. Identifiers: Orphanet 140162, MedGen C0027672, MeSH D009386, MONDO:0015356.
Familial cancer of breast. Also called: hereditary breast carcinoma; BREAST CANCER, FAMILIAL; Hereditary breast cancer. Identifiers: Orphanet 227535, MedGen C0346153, MONDO:0016419, OMIM 114480. Disease mechanism: loss of function.

Allele frequency attached by ClinVar (database versions not stated): gnomAD exomes below 0.00001.
gnomAD v4.1: 6 of 1,611,442 alleles (0.00037%); highest among the groups gnomAD compares: African/African-American, 0.0013%; no homozygotes.

Submissions (10):

CeGaT Center for Human Genetics Tuebingen
Classification: Pathogenic. Last evaluated: 2026-05-01. Review status: criteria provided, single submitter. Criteria: CeGaT Center For Human Genetics Tuebingen Variant Classification Criteria Version 2. Collection method: clinical testing. Allele origin: germline. Affected: yes. Observed: 1 variant allele.
Comment: BARD1: PVS1, PS4:Moderate, PM2:Supporting

Labcorp Genetics (formerly Invitae), Labcorp
Classification: Pathogenic for Familial cancer of breast. Last evaluated: 2024-12-22. Review status: criteria provided, single submitter. Criteria: Invitae Variant Classification Sherloc (09022015). Collection method: clinical testing. Allele origin: germline.
Comment: This sequence change creates a premature translational stop signal (p.Gln100*) in the BARD1 gene. It is expected to result in an absent or disrupted protein product. Loss-of-function variants in BARD1 are known to be pathogenic (PMID: 20077502, 21344236). This variant is present in population databases (rs786201912, gnomAD 0.0009%). This premature translational stop signal has been observed in individual(s) with breast cancer (PMID: 25186627). ClinVar contains an entry for this variant (Variation ID: 185079). For these reasons, this variant has been classified as Pathogenic.

Color Diagnostics, LLC DBA Color Health
Classification: Pathogenic for Hereditary cancer-predisposing syndrome. Last evaluated: 2024-11-18. Review status: criteria provided, single submitter. Criteria: ACMG Guidelines, 2015. Collection method: clinical testing. Allele origin: germline.
Comment: This variant changes 1 nucleotide in exon 3/11 of the BARD1 gene, creating a premature translation stop signal. This variant is expected to result in an absent or non-functional protein product. This variant has been reported in individuals affected with breast cancer (PMID: 25186627, 33471991). This variant has been identified in 1/251160 chromosomes in the general population by the Genome Aggregation Database (gnomAD). Loss of BARD1 function is a known mechanism of disease. Based on the available evidence, this variant is classified as Pathogenic.

Molecular Pathology, Peter Maccallum Cancer Centre
Classification: Pathogenic for BARD1-related cancer predisposition. Last evaluated: 2024-06-12. Review status: criteria provided, single submitter. Criteria: ACMG Guidelines, 2015. Collection method: clinical testing. Allele origin: germline. Inheritance: Autosomal dominant inheritance.

Quest Diagnostics Nichols Institute San Juan Capistrano
Classification: Pathogenic. Last evaluated: 2023-11-09. Review status: criteria provided, single submitter. Criteria: Quest Diagnostics criteria. Collection method: clinical testing. Allele origin: unknown.
Comment: The BARD1 c.298C>T (p.Gln100*) variant causes the premature termination of BARD1 protein synthesis. This variant has been reported in the published literature in individuals affected with breast cancer (PMIDs: 34887416 (2021), 25186627 (2015)). The frequency of this variant in the general population, 0.000004 (1/251160 chromosomes (Genome Aggregation Database)), is consistent with pathogenicity. Based on the available information, this variant is classified as pathogenic.

Myriad Genetics, Inc.
Classification: Pathogenic for Familial cancer of breast. Last evaluated: 2023-05-18. Review status: criteria provided, single submitter. Criteria: Myriad Autosomal Dominant, Autosomal Recessive and X-Linked Classification Criteria (2023). Collection method: clinical testing. Allele origin: unknown.
Comment: This variant is considered pathogenic. This variant creates a termination codon and is predicted to result in premature protein truncation.

Ambry Genetics
Classification: Pathogenic for Hereditary cancer-predisposing syndrome. Last evaluated: 2023-02-15. Review status: criteria provided, single submitter. Criteria: Ambry Variant Classification Scheme 2023. Collection method: clinical testing. Allele origin: germline.
Comment: The p.Q100* pathogenic mutation (also known as c.298C>T), located in coding exon 3 of the BARD1 gene, results from a C to T substitution at nucleotide position 298. This changes the amino acid from a glutamine to a stop codon within coding exon 3. This alteration is expected to result in loss of function by premature protein truncation or nonsense-mediated mRNA decay. This variant is considered to be rare based on population cohorts in the Genome Aggregation Database (gnomAD). As such, this alteration is interpreted as a disease-causing mutation.

GeneDx
Classification: Likely pathogenic. Last evaluated: 2022-05-10. Review status: criteria provided, single submitter. Criteria: GeneDx Variant Classification Process June 2021. Collection method: clinical testing. Allele origin: germline. Affected: yes.
Comment: Nonsense variant predicted to result in protein truncation or nonsense mediated decay in a gene for which loss of function is a known mechanism of disease; Not observed at significant frequency in large population cohorts (gnomAD); Variant observed in an individual with breast cancer in the published literature (Tung et al., 2015); This variant is associated with the following publications: (PMID: 29922827, 29292755, 25186627)

Sema4
Classification: Likely pathogenic for Hereditary cancer-predisposing syndrome. Last evaluated: 2022-03-12. Review status: criteria provided, single submitter. Criteria: Sema4 Curation Guidelines. Collection method: curation. Allele origin: germline.
Comment: The BARD1 c.298C>T (p.Q100X) variant has been reported in at least two individuals with breast cancer (PMID: 25186627, 33471991). This nonsense variant creates a premature stop codon at residue 100 of the BARD1 protein. At this location, nonsense-mediated decay is predicted to occur, resulting in a loss of gene function. Loss of function variants in BARD1 are known to be pathogenic (PMID: 20077502). This variant was observed in 1/113666 chromosomes in the Non-Finnish European population according to the Genome Aggregation Database (PMID: 32461654) and has been reported in ClinVar (Variation ID: 185079). Based on the current evidence available, this variant is interpreted as likely pathogenic.

BRCAlab, Lund University
Classification: Pathogenic for Familial cancer of breast. Last evaluated: 2022-08-26. Review status: no assertion criteria provided. Collection method: clinical testing. Allele origin: germline. Affected: yes. Not counted in ClinVar's aggregate classification.

Literature cited by the submitters: PubMed 20077502 (cited by Labcorp Genetics (formerly Invitae), Labcorp and Sema4); PubMed 21344236 (cited by Labcorp Genetics (formerly Invitae), Labcorp); PubMed 25186627 (cited by 4 submitters); PubMed 33471991 (cited by Color Diagnostics, LLC DBA Color Health and Sema4); PubMed 29922827 (cited by Quest Diagnostics Nichols Institute San Juan Capistrano); PubMed 32679805 (cited by Quest Diagnostics Nichols Institute San Juan Capistrano); PubMed 29292755 (cited by Quest Diagnostics Nichols Institute San Juan Capistrano); PubMed 34887416 (cited by Quest Diagnostics Nichols Institute San Juan Capistrano).